The following is an entry in ClinVar:

ClinVar aggregate classification (germline): Uncertain significance. Review status: criteria provided, multiple submitters, no conflicts (2 of 4 stars). 2 submissions from 2 submitters: Uncertain significance (2). Last evaluated 2023-10-13.

Conditions:
Hereditary cancer-predisposing syndrome. Also called: Hereditary neoplastic syndrome; Tumor predisposition; Hereditary Cancer Syndrome; Neoplastic Syndromes, Hereditary. Identifiers: Orphanet 140162, MedGen C0027672, MeSH D009386, MONDO:0015356.
Gastrointestinal stromal tumor. Also called: Gastrointestinal stroma tumor; Gastrointestinal stromal tumor, somatic. Identifiers: Orphanet 44890, MedGen C0238198, MeSH D046152, MONDO:0011719, OMIM 606764, HP:0100723.

Submissions (2):

Labcorp Genetics (formerly Invitae), Labcorp
Classification: Uncertain significance for Gastrointestinal stromal tumor. Last evaluated: 2023-10-13. Review status: criteria provided, single submitter. Criteria: Invitae Variant Classification Sherloc (09022015). Collection method: clinical testing. Allele origin: germline.
Comment: This sequence change replaces glutamic acid, which is acidic and polar, with aspartic acid, which is acidic and polar, at codon 861 of the KIT protein (p.Glu861Asp). This variant is not present in population databases (gnomAD no frequency). This variant has not been reported in the literature in individuals affected with KIT-related conditions. ClinVar contains an entry for this variant (Variation ID: 1469009). An algorithm developed to predict the effect of missense changes on protein structure and function (PolyPhen-2) suggests that this variant is likely to be disruptive. In summary, the available evidence is currently insufficient to determine the role of this variant in disease. Therefore, it has been classified as a Variant of Uncertain Significance.

Ambry Genetics
Classification: Uncertain significance for Hereditary cancer-predisposing syndrome. Last evaluated: 2023-07-12. Review status: criteria provided, single submitter. Criteria: Ambry Variant Classification Scheme 2023. Collection method: clinical testing. Allele origin: germline.
Comment: The p.E861D variant (also known as c.2583G>C), located in coding exon 18 of the KIT gene, results from a G to C substitution at nucleotide position 2583. The glutamic acid at codon 861 is replaced by aspartic acid, an amino acid with highly similar properties. This amino acid position is conserved. In addition, this alteration is predicted to be deleterious by in silico analysis. Since supporting evidence is limited at this time, the clinical significance of this alteration remains unclear.

NM_000222.3(KIT):c.2583G>C (p.Glu861Asp)

Gene: KIT (KIT proto-oncogene, receptor tyrosine kinase; plus strand). Cytogenetic location: 4q12.
Variant type: single nucleotide variant.
Coding change: c.2583G>C on transcript NM_000222.3 (MANE Select); coding-DNA position 2583, G replaced by C.
Protein change: p.Glu861Asp; replaces glutamic acid 861 with aspartic acid.
Molecular consequence: missense variant.
Genome position (GRCh38, 1-based): chr4:54,736,596, G>C. VCF-style: chr4-54736596-G-C. GRCh37 (hg19) VCF-style: chr4-55602762-G-C.
Other names: c.2571G>C, p.Glu857Asp (NM_001093772.2, NM_001385292.1); c.2586G>C, p.Glu862Asp (NM_001385284.1); c.2580G>C, p.Glu860Asp (NM_001385285.1); c.2568G>C, p.Glu856Asp (NM_001385286.1); c.2574G>C, p.Glu858Asp (NM_001385288.1); c.2583G>C, p.Glu861Asp (NM_001385290.1); c.2583G>C (NM_000222.2); short protein forms E858D, E856D, E857D, E860D, E861D, E862D.
Identifiers: ClinVar variation 1469009 (VCV001469009.8), dbSNP rs1060504662, ClinGen allele CA356913391.